The following is an entry in ClinVar:

NM_006421.5(ARFGEF1):c.2994A>G (p.Ala998=)

Gene: ARFGEF1 (ARF guanine nucleotide exchange factor 1; minus strand). Cytogenetic location: 8q13.2.
Variant type: single nucleotide variant.
Coding change: c.2994A>G on transcript NM_006421.5 (MANE Select); coding-DNA position 2994, A replaced by G.
Protein change: p.Ala998=; no amino-acid change (alanine 998 retained).
Molecular consequence: synonymous variant. On other transcripts: non-coding transcript variant (1).
Genome position (GRCh38, 1-based): chr8:67,238,879, T>C on the plus strand (A>G on the coding strand, the complement: ARFGEF1 is on the minus strand). VCF-style: chr8-67238879-T-C. GRCh37 (hg19) VCF-style: chr8-68151114-T-C.
Other names: c.2994A>G, p.Ala998= (NM_001413184.1, NM_001413185.1, NM_001413186.1 and 6 more transcripts); c.2394A>G, p.Ala798= (NM_001413188.1, NM_001413193.1, NM_001413197.1); c.2988A>G, p.Ala996= (NM_001413190.1); c.1569A>G, p.Ala523= (NM_001413196.1).
Identifiers: ClinVar variation 4533688 (VCV004533688.7).

ClinVar aggregate classification (germline): Likely benign. Review status: criteria provided, multiple submitters, no conflicts (2 of 4 stars). 2 submissions from 2 submitters: Likely benign (2). Last evaluated 2026-06-01.

gnomAD v4.1: 923 of 1,613,470 alleles (0.057%); highest among the groups gnomAD compares: Middle Eastern, 0.51%; 3 homozygotes.

Submissions (2):

CeGaT Center for Human Genetics Tuebingen
Classification: Likely benign. Last evaluated: 2026-06-01. Review status: criteria provided, single submitter. Criteria: CeGaT Center For Human Genetics Tuebingen Variant Classification Criteria Version 2. Collection method: clinical testing. Allele origin: germline. Affected: yes. Observed: 3 variant alleles.
Comment: ARFGEF1: BP4, BP7, BS1

Blueprint Genetics
Classification: Likely benign. Last evaluated: 2024-11-22. Review status: criteria provided, single submitter. Criteria: ACMG Guidelines, 2015. Collection method: clinical testing. Allele origin: germline.